The following is an entry in ClinVar:

ClinVar aggregate classification (germline): Uncertain significance (1 of 4 stars; one submission).

Submission:

Labcorp Genetics (formerly Invitae), Labcorp
Classification: Uncertain significance. Last evaluated: 2025-11-03. Review status: criteria provided, single submitter. Criteria: Invitae Variant Classification Sherloc (09022015). Collection method: clinical testing. Allele origin: germline.
Comment: This variant, c.571_576dup, results in the insertion of 2 amino acid(s) of the SLC12A2 protein (p.Gly191_Gly192dup), but otherwise preserves the integrity of the reading frame. This variant is present in population databases (rs751759733, gnomAD 0.02%). This variant has not been reported in the literature in individuals affected with SLC12A2-related conditions. In summary, the available evidence is currently insufficient to determine the role of this variant in disease. Therefore, it has been classified as a Variant of Uncertain Significance.

NM_001046.3(SLC12A2):c.562GGC[7] (p.Gly192_Ser193insGlyGly)

Gene: SLC12A2 (solute carrier family 12 member 2; plus strand). Cytogenetic location: 5q23.3.
Variant type: Microsatellite.
Coding change: c.562GGC[7] on transcript NM_001046.3 (MANE Select); seven copies in a row of the 3-base unit GGC starting at c.562; the reference has five copies in a row; two copies, 6 bases duplicated.
Protein change: p.Gly192_Ser193insGlyGly.
Molecular consequence: inframe insertion. On other transcripts: non-coding transcript variant (1).
Genome position (GRCh38, 1-based): chr5:128,084,525-128,084,530, GGCGGC duplicated; duplicating any 6 consecutive bases within chr5:128,084,515-128,084,530 gives the same sequence; the position shown is the placement nearest the transcript's 3' end. VCF-style (leftmost placement, unchanged base first): chr5-128084514-C-CCGGCGG. GRCh37 (hg19) VCF-style: chr5-127420206-C-CCGGCGG.
Other names: c.562GGC[7], p.Gly192_Ser193insGlyGly (NM_001256461.2).
Identifiers: ClinVar variation 2084152 (VCV002084152.4), dbSNP rs751759733, ClinGen allele CA3392843.